The following is an entry in ClinVar:

NM_001039876.3(SYNE4):c.391G>A (p.Ala131Thr)

Gene: SYNE4 (spectrin repeat containing nuclear envelope family member 4; minus strand). Cytogenetic location: 19q13.12.
Variant type: single nucleotide variant.
Coding change: c.391G>A on transcript NM_001039876.3 (MANE Select); coding-DNA position 391, G replaced by A.
Protein change: p.Ala131Thr; replaces alanine 131 with threonine.
Molecular consequence: missense variant. On other transcripts: intron variant (1).
Genome position (GRCh38, 1-based): chr19:36,007,157, C>T on the plus strand (G>A on the coding strand, the complement: SYNE4 is on the minus strand). VCF-style: chr19-36007157-C-T. GRCh37 (hg19) VCF-style: chr19-36498059-C-T.
Other names: c.280-486G>A (NM_001297735.3); c.391G>A (NM_001039876.1); short protein forms A131T.
Identifiers: ClinVar variation 725651 (VCV000725651.33), dbSNP rs200744016, ClinGen allele CA9393948.
Genomic context (GRCh38, chr19:36,007,157, plus strand): 5'-CCCCCACATCCTGGCCTCTCCTGCCTACCTGCAGCTGCACCATCCCACTCTGGGCCAATG[C>T]CCAGTGCCCCAGGCCTTGCTCCAGGTCCTGCAGCCGGCGGCCCAGCCCCAGCAGGCACAG-3'
Protein context (NP_001034965.1, residues 121-141): QDLEQGLGHW[Ala131Thr]LAQSGMVQLQ

ClinVar aggregate classification (germline): Benign/Likely benign. Review status: criteria provided, multiple submitters, no conflicts (2 of 4 stars). 7 submissions from 7 submitters: Benign (3); Likely benign (3). 1 of the submissions does not count toward it. Last evaluated 2026-01-26.

Conditions:
SYNE4-related disorder. Also called: SYNE4-related condition.

Allele frequency attached by ClinVar (database versions not stated): gnomAD exomes 0.00014 and 0.00047; ExAC 0.00102; ESP Exome Variant Server 0.00128; gnomAD 0.00207 and 0.00220; TOPMed 0.00215; 1000 Genomes Project 30x 0.00250; 1000 Genomes Project 0.00260.

Submissions (7):

Labcorp Genetics (formerly Invitae), Labcorp
Classification: Benign. Last evaluated: 2026-01-26. Review status: criteria provided, single submitter. Criteria: Invitae Variant Classification Sherloc (09022015). Collection method: clinical testing. Allele origin: germline.

Ambry Genetics
Classification: Likely benign. Last evaluated: 2025-11-19. Review status: criteria provided, single submitter. Criteria: Ambry Variant Classification Scheme 2023. Collection method: clinical testing. Allele origin: germline.

CeGaT Center for Human Genetics Tuebingen
Classification: Likely benign. Last evaluated: 2025-09-01. Review status: criteria provided, single submitter. Criteria: CeGaT Center For Human Genetics Tuebingen Variant Classification Criteria Version 2. Collection method: clinical testing. Allele origin: germline. Affected: yes. Observed: 2 variant alleles.
Comment: SYNE4: BP4, BS2

Blueprint Genetics
Classification: Likely benign. Last evaluated: 2024-11-06. Review status: criteria provided, single submitter. Criteria: ACMG Guidelines, 2015. Collection method: clinical testing. Allele origin: germline.

GeneDx
Classification: Benign. Last evaluated: 2018-11-21. Review status: criteria provided, single submitter. Criteria: GeneDx Variant Classification Process June 2021. Collection method: clinical testing. Allele origin: germline. Affected: yes.

Breakthrough Genomics
Classification: Benign. Review status: criteria provided, single submitter. Criteria: ACMG Guidelines, 2015. Collection method: not provided. Allele origin: germline. Inheritance: Autosomal recessive inheritance. Affected: yes.

PreventionGenetics, part of Exact Sciences
Classification: Likely benign for SYNE4-related condition. Last evaluated: 2019-10-14. Review status: no assertion criteria provided. Collection method: clinical testing. Allele origin: germline. Not counted in ClinVar's aggregate classification.
Comment: This variant is classified as likely benign based on ACMG/AMP sequence variant interpretation guidelines (Richards et al. 2015 PMID: 25741868, with internal and published modifications).